The following is an entry in ClinVar:

ClinVar aggregate classification (germline): Likely pathogenic (1 of 4 stars; one submission).

Submission:

GeneDx
Classification: Likely pathogenic. Last evaluated: 2025-03-04. Review status: criteria provided, single submitter. Criteria: GeneDx Variant Classification Process June 2021. Collection method: clinical testing. Allele origin: germline. Affected: yes.
Comment: Nonsense variant predicted to result in protein truncation or nonsense mediated decay in a gene for which loss of function is a known mechanism of disease; Not observed at significant frequency in large population cohorts (gnomAD); Has not been previously published as pathogenic or benign to our knowledge

NM_001271838.2(RSRC1):c.521T>G (p.Leu174Ter)

Gene: RSRC1 (arginine and serine rich coiled-coil 1; plus strand). Cytogenetic location: 3q25.32.
Variant type: single nucleotide variant.
Coding change: c.521T>G on transcript NM_001271838.2 (MANE Select); coding-DNA position 521, T replaced by G.
Protein change: p.Leu174Ter; replaces leucine 174 with a stop codon.
Molecular consequence: nonsense.
Genome position (GRCh38, 1-based): chr3:158,298,065, T>G. VCF-style: chr3-158298065-T-G. GRCh37 (hg19) VCF-style: chr3-158015854-T-G.
Other names: c.347T>G, p.Leu116Ter (NM_001271834.2); c.521T>G, p.Leu174Ter (NM_016625.4); short protein forms L116*, L174*.
Identifiers: ClinVar variation 4082565 (VCV004082565.1).